The following is an entry in ClinVar:

NM_145691.4(ATPAF2):c.508G>A (p.Gly170Ser)

Gene: ATPAF2 (ATP synthase mitochondrial F1 complex assembly factor 2; minus strand). Cytogenetic location: 17p11.2.
Variant type: single nucleotide variant.
Coding change: c.508G>A on transcript NM_145691.4 (MANE Select); coding-DNA position 508, G replaced by A.
Protein change: p.Gly170Ser; replaces glycine 170 with serine.
Molecular consequence: missense variant.
Genome position (GRCh38, 1-based): chr17:18,021,853, C>T on the plus strand (G>A on the coding strand, the complement: ATPAF2 is on the minus strand). VCF-style: chr17-18021853-C-T. GRCh37 (hg19) VCF-style: chr17-17925167-C-T.
Other names: c.508G>A (NM_145691.3); short protein forms G170S.
Identifiers: ClinVar variation 2141405 (VCV002141405.4), dbSNP rs367939316, ClinGen allele CA8421826.

ClinVar aggregate classification (germline): Uncertain significance. Review status: criteria provided, multiple submitters, no conflicts (2 of 4 stars). 2 submissions from 2 submitters: Uncertain significance (2). Last evaluated 2026-09-25.

Allele frequency attached by ClinVar (database versions not stated): gnomAD 0.00010; ExAC 0.00002; TOPMed 0.00010; gnomAD exomes 0.00002.
gnomAD v4.1: 46 of 1,613,704 alleles (0.0029%); highest among the groups gnomAD compares: African/African-American, 0.032%; no homozygotes.

Submissions (2):

GeneDx
Classification: Uncertain significance. Last evaluated: 2026-09-25. Review status: criteria provided, single submitter. Criteria: GeneDx Variant Classification Process June 2021. Collection method: clinical testing. Allele origin: germline.
Comment: In silico analysis suggests that this missense variant does not alter protein structure/function; Has not been previously published as pathogenic or benign to our knowledge; In silico analysis suggests this variant may impact gene splicing. In the absence of RNA/functional studies, the actual effect of this sequence change is unknown; This variant is associated with the following publications: (PMID: 24123366)

Labcorp Genetics (formerly Invitae), Labcorp
Classification: Uncertain significance. Last evaluated: 2026-01-12. Review status: criteria provided, single submitter. Criteria: Invitae Variant Classification Sherloc (09022015). Collection method: clinical testing. Allele origin: germline.
Comment: This sequence change replaces glycine, which is neutral and non-polar, with serine, which is neutral and polar, at codon 170 of the ATPAF2 protein (p.Gly170Ser). This variant is present in population databases (rs367939316, gnomAD 0.04%). This variant has not been reported in the literature in individuals affected with ATPAF2-related conditions. ClinVar contains an entry for this variant (Variation ID: 2141405). Invitae Evidence Modeling of protein sequence and biophysical properties (such as structural, functional, and spatial information, amino acid conservation, physicochemical variation, residue mobility, and thermodynamic stability) indicates that this missense variant is not expected to disrupt ATPAF2 protein function with a negative predictive value of 80%. In summary, the available evidence is currently insufficient to determine the role of this variant in disease. Therefore, it has been classified as a Variant of Uncertain Significance.